The following is an entry in ClinVar:

ClinVar aggregate classification (germline): Uncertain significance. Review status: criteria provided, multiple submitters, no conflicts (2 of 4 stars). 4 submissions from 4 submitters: Uncertain significance (4). Last evaluated 2024-06-28.

Conditions:
Inborn genetic diseases. Identifiers: MedGen C0950123, MeSH D030342.

Allele frequency attached by ClinVar (database versions not stated): TOPMed below 0.00001; gnomAD 0.00001; gnomAD exomes 0.00002; ExAC 0.00004; ESP Exome Variant Server 0.00008.
gnomAD v4.1: 34 of 1,613,750 alleles (0.0021%); highest among the groups gnomAD compares: Non-Finnish European, 0.0027%; no homozygotes.

Submissions (4):

GeneDx
Classification: Uncertain significance. Last evaluated: 2024-06-28. Review status: criteria provided, single submitter. Criteria: GeneDx Variant Classification Process June 2021. Collection method: clinical testing. Allele origin: germline. Affected: yes.
Comment: Not observed at significant frequency in large population cohorts (gnomAD); In silico analysis indicates that this missense variant does not alter protein structure/function; Has not been previously published as pathogenic or benign to our knowledge

Labcorp Genetics (formerly Invitae), Labcorp
Classification: Uncertain significance. Last evaluated: 2024-05-15. Review status: criteria provided, single submitter. Criteria: Invitae Variant Classification Sherloc (09022015). Collection method: clinical testing. Allele origin: germline.
Comment: This sequence change replaces glutamic acid, which is acidic and polar, with lysine, which is basic and polar, at codon 665 of the ZNF408 protein (p.Glu665Lys). This variant is present in population databases (rs373784613, gnomAD 0.003%). This variant has not been reported in the literature in individuals affected with ZNF408-related conditions. ClinVar contains an entry for this variant (Variation ID: 2362720). An algorithm developed to predict the effect of missense changes on protein structure and function (PolyPhen-2) suggests that this variant is likely to be tolerated. In summary, the available evidence is currently insufficient to determine the role of this variant in disease. Therefore, it has been classified as a Variant of Uncertain Significance.

Blueprint Genetics
Classification: Uncertain significance. Last evaluated: 2022-11-04. Review status: criteria provided, single submitter. Criteria: ACMG Guidelines, 2015. Collection method: clinical testing. Allele origin: germline.

Ambry Genetics
Classification: Uncertain significance for Inborn genetic diseases. Last evaluated: 2021-08-23. Review status: criteria provided, single submitter. Criteria: Ambry Variant Classification Scheme 2023. Collection method: clinical testing. Allele origin: germline.

NM_024741.3(ZNF408):c.1993G>A (p.Glu665Lys)

Gene: ZNF408 (zinc finger protein 408; plus strand). Cytogenetic location: 11p11.2.
Variant type: single nucleotide variant.
Coding change: c.1993G>A on transcript NM_024741.3 (MANE Select); coding-DNA position 1993, G replaced by A.
Protein change: p.Glu665Lys; replaces glutamic acid 665 with lysine.
Molecular consequence: missense variant.
Genome position (GRCh38, 1-based): chr11:46,705,693, G>A. VCF-style: chr11-46705693-G-A. GRCh37 (hg19) VCF-style: chr11-46727243-G-A.
Other names: c.1969G>A, p.Glu657Lys (NM_001184751.2); short protein forms E665K, E657K.
Identifiers: ClinVar variation 2362720 (VCV002362720.7), dbSNP rs373784613, ClinGen allele CA5966688.
Genomic context (GRCh38, chr11:46,705,693, plus strand): 5'-TCTGAGCCCACTGTGGTGCTCCTGCAGGCTGAGCCACAACTGCTGGACACACACAGAGAG[G>A]AGGAAGTCTCCCCCGCCAGGGATGTTGTTGAGGTCACCATTTCAGAAAGCCAGGAGAAGT-3'
Protein context (NP_079017.1, residues 655-675): EPQLLDTHRE[Glu665Lys]EVSPARDVVE